The following is an entry in ClinVar:

ClinVar aggregate classification (germline): Uncertain significance (1 of 4 stars; one submission).

Conditions:
Danon disease. Also called: Glycogen Storage Disease Type IIb; ANTOPOL DISEASE; PSEUDOGLYCOGENOSIS II; GSD IIb; LYSOSOMAL GLYCOGEN STORAGE DISEASE WITHOUT ACID MALTASE DEFICIENCY. Identifiers: Orphanet 34587, MedGen C0878677, MONDO:0010281, OMIM 300257.

Submission:

Victorian Clinical Genetics Services, Murdoch Childrens Research Institute
Classification: Uncertain significance for Danon disease. Last evaluated: 2025-06-02. Review status: criteria provided, single submitter. Criteria: ACMG Guidelines, 2015. Collection method: clinical testing. Allele origin: germline. Affected: yes.
Comment: This variant is classified as VUS-3A. Evidence in support of pathogenic classification: Variant is absent from gnomAD (v2, v3 and v4); Additional information: Variant is predicted to result in a missense amino acid change from proline to leucine; This variant is heterozygous; This gene is associated with X-linked dominant disease; Alternative amino acid change(s) at the same position are present in gnomAD (Highest allele count: v4: 0 heterozygote(s), 0 homozygote(s), 1 hemizygote(s)); This variant has no previous evidence of pathogenicity; No published segregation evidence has been identified for this variant; No published functional evidence has been identified for this variant; No comparable missense variants have previous evidence for pathogenicity; Variant is located in the annotated lamp2-like luminal domain (DECIPHER); Missense variant with inconclusive in silico prediction and uninformative conservation; Loss of function is a known mechanism of disease in this gene and is associated with Danon disease (MIM#300257); Variants in this gene are known to have variable expressivity. Phenotypic variability has been described; males typically have earlier disease onset and more severe phenotypes than females (OMIM).

NM_002294.3(LAMP2):c.767C>T (p.Pro256Leu)

Gene: LAMP2 (lysosome associated membrane protein 2; minus strand). Cytogenetic location: Xq24.
Variant type: single nucleotide variant.
Coding change: c.767C>T on transcript NM_002294.3 (MANE Select); coding-DNA position 767, C replaced by T.
Protein change: p.Pro256Leu; replaces proline 256 with leucine.
Molecular consequence: missense variant.
Genome position (GRCh38, 1-based): chrX:120,446,402, G>A on the plus strand (C>T on the coding strand, the complement: LAMP2 is on the minus strand). VCF-style: chrX-120446402-G-A. GRCh37 (hg19) VCF-style: chrX-119580257-G-A.
Other names: c.767C>T, p.Pro256Leu (NM_001122606.1, NM_013995.2); short protein forms P256L.
Identifiers: ClinVar variation 4532154 (VCV004532154.1).